The following is an entry in ClinVar:

NM_000211.5(ITGB2):c.2119G>T (p.Gly707Cys)

Gene: ITGB2 (integrin subunit beta 2; minus strand). Cytogenetic location: 21q22.3.
Variant type: single nucleotide variant.
Coding change: c.2119G>T on transcript NM_000211.5 (MANE Select); coding-DNA position 2119, G replaced by T.
Protein change: p.Gly707Cys; replaces glycine 707 with cysteine.
Molecular consequence: missense variant.
Genome position (GRCh38, 1-based): chr21:44,886,864, C>A on the plus strand (G>T on the coding strand, the complement: ITGB2 is on the minus strand). VCF-style: chr21-44886864-C-A. GRCh37 (hg19) VCF-style: chr21-46306779-C-A.
Other names: c.2119G>T, p.Gly707Cys (NM_001127491.3); c.1912G>T, p.Gly638Cys (NM_001303238.2); short protein forms G638C, G707C.
Identifiers: ClinVar variation 1433318 (VCV001433318.6), dbSNP rs1338483196, ClinGen allele CA410482596.

ClinVar aggregate classification (germline): Uncertain significance (1 of 4 stars; one submission).

Conditions:
Leukocyte adhesion deficiency 1 (LAD1). Also called: LEUKOCYTE ADHESION DEFICIENCY, TYPE I; LAD 1; Lymphocyte function-associated antigen 1 immunodeficiency; LFA 1 immunodeficiency. Identifiers: Orphanet 2968, Orphanet 99842, MedGen C0398738, MONDO:0007293, OMIM 116920.

Allele frequency attached by ClinVar (database versions not stated): TOPMed below 0.00001; gnomAD exomes 0.00001.
gnomAD v4.1: 3 of 1,613,674 alleles (0.00019%); highest among the groups gnomAD compares: Admixed American, 0.005%; no homozygotes.

Submission:

Labcorp Genetics (formerly Invitae), Labcorp
Classification: Uncertain significance for Leukocyte adhesion deficiency 1. Last evaluated: 2021-06-22. Review status: criteria provided, single submitter. Criteria: Invitae Variant Classification Sherloc (09022015). Collection method: clinical testing. Allele origin: germline.
Comment: This sequence change replaces glycine with cysteine at codon 707 of the ITGB2 protein (p.Gly707Cys). The glycine residue is highly conserved and there is a large physicochemical difference between glycine and cysteine. This variant is not present in population databases (ExAC no frequency). This variant has not been reported in the literature in individuals with ITGB2-related conditions. Algorithms developed to predict the effect of missense changes on protein structure and function (SIFT, PolyPhen-2, Align-GVGD) all suggest that this variant is likely to be disruptive, but these predictions have not been confirmed by published functional studies and their clinical significance is uncertain. In summary, the available evidence is currently insufficient to determine the role of this variant in disease. Therefore, it has been classified as a Variant of Uncertain Significance.